The following is an entry in ClinVar:

NM_000237.3(LPL):c.300C>A (p.Tyr100Ter)

Gene: LPL (lipoprotein lipase; plus strand). Cytogenetic location: 8p21.3.
Variant type: single nucleotide variant.
Coding change: c.300C>A on transcript NM_000237.3 (MANE Select); coding-DNA position 300, C replaced by A.
Protein change: p.Tyr100Ter; replaces tyrosine 100 with a stop codon.
Molecular consequence: nonsense.
Genome position (GRCh38, 1-based): chr8:19,951,819, C>A. VCF-style: chr8-19951819-C-A. GRCh37 (hg19) VCF-style: chr8-19809330-C-A.
Other names: Y73*; c.300C>A (NM_000237.2); short protein forms Y100*.
Identifiers: ClinVar variation 1531 (VCV000001531.5), dbSNP rs118204074, ClinGen allele CA251869.
Genomic context (GRCh38, chr8:19,951,819, plus strand): 5'-TCATCTTCAGGTAACAGGAATGTATGAGAGTTGGGTGCCAAAACTTGTGGCCGCCCTGTA[C>A]AAGAGAGAACCAGACTCCAATGTCATTGTGGTGGACTGGCTGTCACGGGCTCAGGAGCAT-3'

ClinVar aggregate classification (germline): Pathogenic/Likely pathogenic. Review status: criteria provided, multiple submitters, no conflicts (2 of 4 stars). 3 submissions from 3 submitters: Pathogenic (1); Likely pathogenic (1). 1 of the submissions does not count toward it. Last evaluated 2024-10-30.

Conditions:
Hyperlipoproteinemia, type I. Also called: Lipoprotein Lipase Deficiency; Lipase D deficiency; Familial Lipoprotein Lipase Deficiency; Hyperlipoproteinemia type 1; Hyperchylomicro-nemia familial; Familial chylomicronemia. Identifiers: Orphanet 309015, Orphanet 444490, MedGen C0023817, MONDO:0009387, OMIM 238600. Disease mechanism: loss of function.

Submissions (3):

Natera, Inc.
Classification: Likely pathogenic for Lipoprotein lipase deficiency. Last evaluated: 2024-10-30. Review status: criteria provided, single submitter. Criteria: Natera Variant Classification Schema (03/2026). Collection method: clinical testing. Allele origin: germline.
Comment: The c.300C>A variant in LPL is a nonsense variant predicted to introduce a stop codon at amino acid 100. This variant is expected to result in nonsense mediated decay, truncation, or a dysfunctional protein product. This variant is rare in the general population with a frequency below the threshold expected for the associated phenotype(s). Given the available evidence, this variant is classified as Likely Pathogenic.

Labcorp Genetics (formerly Invitae), Labcorp
Classification: Pathogenic. Last evaluated: 2023-07-07. Review status: criteria provided, single submitter. Criteria: Invitae Variant Classification Sherloc (09022015). Collection method: clinical testing. Allele origin: germline.
Comment: This sequence change creates a premature translational stop signal (p.Tyr100*) in the LPL gene. It is expected to result in an absent or disrupted protein product. Loss-of-function variants in LPL are known to be pathogenic (PMID: 11334614). This variant is not present in population databases (gnomAD no frequency). This premature translational stop signal has been observed in individual(s) with clinical features of LPL-related conditions (PMID: 8325986). This variant is also known as p.Y73Ter. ClinVar contains an entry for this variant (Variation ID: 1531). For these reasons, this variant has been classified as Pathogenic.

OMIM
Classification: Pathogenic for LIPOPROTEIN LIPASE DEFICIENCY. Last evaluated: 1993-07-01. Review status: no assertion criteria provided. Collection method: literature only. Allele origin: germline. Not counted in ClinVar's aggregate classification.

Literature cited by the submitters: PubMed 11334614 (cited by Labcorp Genetics (formerly Invitae), Labcorp); PubMed 8325986 (cited by Labcorp Genetics (formerly Invitae), Labcorp and OMIM).